The following is an entry in ClinVar:

NM_000141.5(FGFR2):c.1075G>A (p.Val359Ile)

Gene: FGFR2 (fibroblast growth factor receptor 2; minus strand). Cytogenetic location: 10q26.13.
Variant type: single nucleotide variant.
Coding change: c.1075G>A on transcript NM_000141.5 (MANE Select); coding-DNA position 1075, G replaced by A.
Protein change: p.Val359Ile; replaces valine 359 with isoleucine.
Molecular consequence: missense variant. On other transcripts: intron variant (5), non-coding transcript variant (1).
Genome position (GRCh38, 1-based): chr10:121,517,328, C>T on the plus strand (G>A on the coding strand, the complement: FGFR2 is on the minus strand). VCF-style: chr10-121517328-C-T. GRCh37 (hg19) VCF-style: chr10-123276842-C-T.
Other names: c.749-2009G>A (NM_001144914.1); c.939+2651G>A (NM_001144917.2); c.1087+1354G>A (NM_022970.4, NM_001144913.1); c.820+1354G>A (NM_001144919.2); c.808G>A, p.Val270Ile (NM_001144915.2, NM_023029.3); c.730G>A, p.Val244Ile (NM_001144916.2, NM_001144918.2); c.391G>A, p.Val131Ile (NM_001320654.2); c.1075G>A, p.Val359Ile (NM_001320658.2); short protein forms V131I, V359I, V244I, V270I.
Identifiers: ClinVar variation 1433705 (VCV001433705.2), dbSNP rs1274989878, ClinGen allele CA378327651.

ClinVar aggregate classification (germline): Uncertain significance (1 of 4 stars; one submission).

Conditions:
FGFR2-related craniosynostosis. Identifiers: MedGen CN231480.

Allele frequency attached by ClinVar (database versions not stated): gnomAD exomes 0.00001.
gnomAD v4.1: 4 of 1,614,202 alleles (0.00025%); highest among the groups gnomAD compares: South Asian, 0.0044%; 1 homozygote.

Submission:

Labcorp Genetics (formerly Invitae), Labcorp
Classification: Uncertain significance for FGFR2-related craniosynostosis. Last evaluated: 2021-08-05. Review status: criteria provided, single submitter. Criteria: Invitae Variant Classification Sherloc (09022015). Collection method: clinical testing. Allele origin: germline.
Comment: This variant is not present in population databases (ExAC no frequency). In summary, the available evidence is currently insufficient to determine the role of this variant in disease. Therefore, it has been classified as a Variant of Uncertain Significance. This variant disrupts the p.Val359 amino acid residue in FGFR2. Other variant(s) that disrupt this residue have been determined to be pathogenic (PMID: 8644708, 11173845; Invitae). This suggests that this residue is clinically significant, and that variants that disrupt this residue are likely to be disease-causing. Algorithms developed to predict the effect of missense changes on protein structure and function are either unavailable or do not agree on the potential impact of this missense change (SIFT: "Deleterious"; PolyPhen-2: "Probably Damaging"; Align-GVGD: "Class C0"). This variant has not been reported in the literature in individuals affected with FGFR2-related conditions. This sequence change replaces valine with isoleucine at codon 359 of the FGFR2 protein (p.Val359Ile). The valine residue is highly conserved and there is a small physicochemical difference between valine and isoleucine.

Literature cited by the submitters: PubMed 8644708; PubMed 11173845.